The following is an entry in ClinVar:

NM_007078.3(LDB3):c.668C>T (p.Ser223Leu)

Gene: LDB3 (LIM domain binding 3; plus strand). Cytogenetic location: 10q23.2.
Variant type: single nucleotide variant.
Coding change: c.668C>T on transcript NM_007078.3 (MANE Select); coding-DNA position 668, C replaced by T.
Protein change: p.Ser223Leu; replaces serine 223 with leucine.
Molecular consequence: missense variant. On other transcripts: intron variant (5).
Genome position (GRCh38, 1-based): chr10:86,681,782, C>T. VCF-style: chr10-86681782-C-T. GRCh37 (hg19) VCF-style: chr10-88441539-C-T.
Other names: c.668C>T, p.Ser223Leu (NM_001080115.2, NM_001171610.2, NM_001171611.2 and 3 more transcripts); c.321+1625C>T (NM_001368068.1, NM_001368066.1, NM_001080114.2 and 2 more transcripts); short protein forms S223L.
Identifiers: ClinVar variation 227498 (VCV000227498.17), dbSNP rs375306400, ClinGen allele CA5584758.

ClinVar aggregate classification (germline): Conflicting classifications of pathogenicity. Review status: criteria provided, conflicting classifications (1 of 4 stars). 7 submissions from 7 submitters: Uncertain significance (4); Likely benign (3). Last evaluated 2025-11-06.

Conditions:
Myofibrillar myopathy 4. Also called: Zaspopathy (type). Identifiers: Orphanet 98912, MedGen C4721886, MONDO:0012277, OMIM 609452.
Cardiovascular phenotype. Identifiers: MedGen CN230736.
Dilated cardiomyopathy 1C (CMD1C). Also called: CARDIOMYOPATHY, DILATED, 1C, WITH OR WITHOUT LEFT VENTRICULAR NONCOMPACTION; Cardiomyopathy, dilated, 1C, with or without LVNC. Identifiers: Orphanet 154, Orphanet 54260, MedGen C1832244, MONDO:0011094, OMIM 601493.

Allele frequency attached by ClinVar (database versions not stated): ExAC 0.00004; ESP Exome Variant Server 0.00008; TOPMed 0.00008; gnomAD exomes 0.00003; gnomAD 0.00005.
gnomAD v4.1: 70 of 1,597,370 alleles (0.0044%); highest among the groups gnomAD compares: Middle Eastern, 0.017%; no homozygotes.

Submissions (7):

Women's Health and Genetics/Laboratory Corporation of America, LabCorp
Classification: Uncertain significance. Last evaluated: 2025-11-06. Review status: criteria provided, single submitter. Criteria: LabCorp Variant Classification Summary - May 2015. Collection method: clinical testing. Allele origin: germline.
Comment: Variant summary: LDB3 c.668C>T (p.Ser223Leu) results in a non-conservative amino acid change in the encoded protein sequence. Algorithms developed to predict the effect of missense changes on protein structure and function are either unavailable or do not agree on the potential impact of this missense change. The variant allele was found at a frequency of 3.4e-05 in 238224 control chromosomes. The available data on variant occurrences in the general population are insufficient to allow any conclusion about variant significance. To our knowledge, no occurrence of c.668C>T in individuals affected with LDB3-related conditions and no experimental evidence demonstrating its impact on protein function have been reported. ClinVar contains an entry for this variant (Variation ID: 227498). Based on the evidence outlined above, the variant was classified as uncertain significance.

Labcorp Genetics (formerly Invitae), Labcorp
Classification: Uncertain significance for Myofibrillar myopathy 4. Last evaluated: 2025-04-02. Review status: criteria provided, single submitter. Criteria: Invitae Variant Classification Sherloc (09022015). Collection method: clinical testing. Allele origin: germline.
Comment: The LDB3 gene has multiple clinically relevant transcripts. This variant occurs in alternate transcript NM_007078.3, and corresponds to NM_001080116.1:c.321+1625C>T in the primary transcript. This sequence change replaces serine, which is neutral and polar, with leucine, which is neutral and non-polar, at codon 223 of the LDB3 protein (p.Ser223Leu). This variant is present in population databases (rs375306400, gnomAD 0.01%). This variant has not been reported in the literature in individuals affected with LDB3-related conditions. ClinVar contains an entry for this variant (Variation ID: 227498). An algorithm developed to predict the effect of missense changes on protein structure and function outputs the following: PolyPhen-2: "Not Available". The leucine amino acid residue is found in multiple mammalian species, which suggests that this missense change does not adversely affect protein function. Algorithms developed to predict the effect of sequence changes on RNA splicing suggest that this variant is not likely to affect RNA splicing. In summary, the available evidence is currently insufficient to determine the role of this variant in disease. Therefore, it has been classified as a Variant of Uncertain Significance.

Clinical Genomics Laboratory, Washington University in St. Louis
Classification: Uncertain significance for Myofibrillar myopathy 4; Dilated cardiomyopathy 1C. Last evaluated: 2025-01-28. Review status: criteria provided, single submitter. Criteria: ACMG Guidelines, 2015. Collection method: clinical testing. Allele origin: germline.
Comment: The LDB3 c.668C>T (p.Ser223Leu) variant has been reported as a germline variant of uncertain significance in one individual with left ventricular non-compaction, which is a form of cardiomyopathy (Richard P et al., PMID: 30471092). This variant has been reported in the ClinVar database as a germline variant of uncertain significance by three submitters and a germline likely benign variant by one submitter (Variation ID: 227498). This variant is only observed on 8/238,224 alleles in the general population (gnomAD v.2.1.1). Computational predictors suggest that the variant does not impact LDB3 function. Due to limited information, the clinical significance of this variant is uncertain.

Ambry Genetics
Classification: Likely benign for Cardiovascular phenotype. Last evaluated: 2025-01-13. Review status: criteria provided, single submitter. Criteria: Ambry Variant Classification Scheme 2023. Collection method: clinical testing. Allele origin: germline.

Blueprint Genetics
Classification: Likely benign. Last evaluated: 2024-09-23. Review status: criteria provided, single submitter. Criteria: ACMG Guidelines, 2015. Collection method: clinical testing. Allele origin: germline.

GeneDx
Classification: Uncertain significance. Last evaluated: 2018-06-21. Review status: criteria provided, single submitter. Criteria: GeneDx Variant Classification (06012015). Collection method: clinical testing. Allele origin: germline. Affected: yes.
Comment: A variant of uncertain significance has been identified in the LDB3 gene. The S223L variant has not been published as pathogenic or been reported as benign to our knowledge. This variant is observed in 8/233922 (0.003%) alleles from individuals of multiple ethnic backgrounds in large population cohorts (Lek et al., 2016). The S223L variant is a non-conservative amino acid substitution, which is likely to impact secondary protein structure as these residues differ in polarity, charge, size and/or other properties. However, in-silico analyses, including protein predictors and evolutionary conservation, support that this variant does not alter protein structure/function. Furthermore, the S223L variant occurs in an alternate transcript where no definitively pathogenic variants have been reported in the Human Gene Mutation Database in association with DCM (Stenson et al., 2014). Therefore, based on the currently available information, it is unclear whether this variant is pathogenic or rare benign.

Laboratory for Molecular Medicine, Mass General Brigham Personalized Medicine
Classification: Likely benign. Last evaluated: 2015-04-18. Review status: criteria provided, single submitter. Criteria: LMM Criteria. Collection method: clinical testing. Allele origin: germline. Observed: 1 variant allele.
Comment: p.Ser223Leu in exon 4 of LDB3: This variant is not expected to have clinical sig nificance due to a lack of conservation across species, including mammals. Of no te, 4 mammals (bushbaby, Chinese tree shrew, chinchilla and cape golden mole) ha ve a leucine (Leu) at this position despite high nearby amino acid conservation. In addition, it has been identified in 1/64126 European chromosomes, 2/9826 Afr ican chromosomes, and 1/12228 South Asian chromosomes by the Exome Aggregation C onsortium (ExAC; dbSNP rs375306400).